The following is an entry in ClinVar:

NM_000057.4(BLM):c.186T>G (p.Asn62Lys)

Gene: BLM (BLM RecQ like helicase; plus strand). Cytogenetic location: 15q26.1.
Variant type: single nucleotide variant.
Coding change: c.186T>G on transcript NM_000057.4 (MANE Select); coding-DNA position 186, T replaced by G.
Protein change: p.Asn62Lys; replaces asparagine 62 with lysine.
Molecular consequence: missense variant. On other transcripts: 5 prime UTR variant (1).
Genome position (GRCh38, 1-based): chr15:90,749,454, T>G. VCF-style: chr15-90749454-T-G. GRCh37 (hg19) VCF-style: chr15-91292684-T-G.
Other names: c.186T>G, p.Asn62Lys (NM_001287246.2, NM_001287247.2); c.-1106T>G (NM_001287248.2); short protein forms N62K.
Identifiers: ClinVar variation 454089 (VCV000454089.14), dbSNP rs146735953, ClinGen allele CA7738255.

ClinVar aggregate classification (germline): Conflicting classifications of pathogenicity. Review status: criteria provided, conflicting classifications (1 of 4 stars). 3 submissions from 3 submitters: Uncertain significance (2); Likely benign (1). Last evaluated 2024-06-21.

Conditions:
Hereditary cancer-predisposing syndrome. Also called: Hereditary Cancer Syndrome; Hereditary neoplastic syndrome; Neoplastic Syndromes, Hereditary; Tumor predisposition. Identifiers: Orphanet 140162, MedGen C0027672, MeSH D009386, MONDO:0015356.
Bloom syndrome (BLM). Also called: Bloom-Torre-Machacek syndrome. Identifiers: Orphanet 125, MedGen C0005859, MONDO:0008876, OMIM 210900.

Allele frequency attached by ClinVar (database versions not stated): TOPMed below 0.00001; gnomAD exomes 0.00001; ExAC 0.00002; ESP Exome Variant Server 0.00008.
gnomAD v4.1: 4 of 1,612,506 alleles (0.00025%); highest among the groups gnomAD compares: Non-Finnish European, 0.00034%; no homozygotes.

Submissions (3):

GeneDx
Classification: Uncertain significance. Last evaluated: 2024-06-21. Review status: criteria provided, single submitter. Criteria: GeneDx Variant Classification Process June 2021. Collection method: clinical testing. Allele origin: germline. Affected: yes.
Comment: Not observed at significant frequency in large population cohorts (gnomAD); In silico analysis indicates that this missense variant does not alter protein structure/function; Has not been previously published as pathogenic or benign to our knowledge

Ambry Genetics
Classification: Likely benign for Hereditary cancer-predisposing syndrome. Last evaluated: 2024-03-14. Review status: criteria provided, single submitter. Criteria: Ambry Variant Classification Scheme 2023. Collection method: clinical testing. Allele origin: germline.

Labcorp Genetics (formerly Invitae), Labcorp
Classification: Uncertain significance for Bloom syndrome. Last evaluated: 2023-06-27. Review status: criteria provided, single submitter. Criteria: Invitae Variant Classification Sherloc (09022015). Collection method: clinical testing. Allele origin: germline.
Comment: This sequence change replaces asparagine, which is neutral and polar, with lysine, which is basic and polar, at codon 62 of the BLM protein (p.Asn62Lys). In summary, the available evidence is currently insufficient to determine the role of this variant in disease. Therefore, it has been classified as a Variant of Uncertain Significance. An algorithm developed to predict the effect of missense changes on protein structure and function (PolyPhen-2) suggests that this variant is likely to be tolerated. ClinVar contains an entry for this variant (Variation ID: 454089). This variant has not been reported in the literature in individuals affected with BLM-related conditions. This variant is present in population databases (rs146735953, gnomAD 0.002%).